The following is an entry in ClinVar:

NC_000023.10:g.(?_44732798)_(44945244_?)dup

Gene: KDM6A (lysine demethylase 6A; plus strand). Cytogenetic location: Xp11.3.
Variant type: Duplication.
Identifiers: ClinVar variation 3245472 (VCV003245472.1).

ClinVar aggregate classification (germline): Uncertain significance (1 of 4 stars; one submission).

Conditions:
Kabuki syndrome 2 (KABUK2). Also called: KDM6A-Related Kabuki Syndrome. Identifiers: Orphanet 2322, MedGen C3275495, MONDO:0010465, OMIM 300867.

Submission:

Labcorp Genetics (formerly Invitae), Labcorp
Classification: Uncertain significance for Kabuki syndrome 2. Last evaluated: 2022-11-16. Review status: criteria provided, single submitter. Criteria: Invitae Variant Classification Sherloc (09022015). Collection method: clinical testing. Allele origin: unknown.
Comment: In summary, the available evidence is currently insufficient to determine the role of this variant in disease. Therefore, it has been classified as a Variant of Uncertain Significance. Experimental studies and prediction algorithms are not available or were not evaluated, and the functional significance of this variant is currently unknown. This variant has not been reported in the literature in individuals affected with KDM6A-related conditions. This variant results in a copy number gain of the genomic region encompassing exon(s) 1-24 of the KDM6A gene. This region includes the initiator codon of the gene. This copy number gain extends beyond the assayed region for this gene and therefore may encompass additional genes. As the precise location of this event is unknown, it may be in tandem or it may be located elsewhere in the genome.